The following is an entry in ClinVar:

ClinVar aggregate classification (germline): Likely benign (1 of 4 stars; one submission).

Submission:

CeGaT Center for Human Genetics Tuebingen
Classification: Likely benign. Last evaluated: 2025-09-01. Review status: criteria provided, single submitter. Criteria: CeGaT Center For Human Genetics Tuebingen Variant Classification Criteria Version 2. Collection method: clinical testing. Allele origin: germline. Affected: yes. Observed: 1 variant allele.
Comment: TNXB: PM2:Supporting, BP4, BP7

NM_001365276.2(TNXB):c.465C>T (p.Thr155=)

Gene: TNXB (tenascin XB; minus strand). Cytogenetic location: 6p21.33.
Variant type: single nucleotide variant.
Coding change: c.465C>T on transcript NM_001365276.2 (MANE Select); coding-DNA position 465, C replaced by T.
Protein change: p.Thr155=; no amino-acid change (threonine 155 retained).
Molecular consequence: synonymous variant.
Genome position (GRCh38, 1-based): chr6:32,097,388, G>A on the plus strand (C>T on the coding strand, the complement: TNXB is on the minus strand). VCF-style: chr6-32097388-G-A. GRCh37 (hg19) VCF-style: chr6-32065165-G-A.
Other names: c.465C>T, p.Thr155= (NM_001428335.1, NM_019105.8).
Identifiers: ClinVar variation 4281408 (VCV004281408.7).